The following is an entry in ClinVar:

ClinVar aggregate classification (germline): Uncertain significance. Review status: criteria provided, multiple submitters, no conflicts (2 of 4 stars). 2 submissions from 2 submitters: Uncertain significance (2). Last evaluated 2026-08-18.

Conditions:
ADAMTS13-related disorder. Also called: ADAMTS13-related condition.

gnomAD v4.1: 37 of 1,613,868 alleles (0.0023%); highest among the groups gnomAD compares: Admixed American, 0.005%; no homozygotes.

Submissions (2):

PreventionGenetics, part of Exact Sciences
Classification: Uncertain significance for ADAMTS13-related condition. Last evaluated: 2026-08-18. Review status: criteria provided, single submitter. Criteria: ACMG Guidelines, 2015. Collection method: clinical testing. Allele origin: germline.
Comment: The ADAMTS13 c.1549G>A variant is predicted to result in the amino acid substitution p.Gly517Arg. To our knowledge, this variant has not been reported in the literature. This variant is reported in 0.0062% of alleles in individuals of African descent in gnomAD. At this time, the clinical significance of this variant is uncertain due to the absence of conclusive functional and genetic evidence.

Mayo Clinic Laboratories, Mayo Clinic
Classification: Uncertain significance. Last evaluated: 2025-08-16. Review status: criteria provided, single submitter. Criteria: ACMG Guidelines, 2015. Collection method: clinical testing. Allele origin: germline. Observed: 2 variant alleles.
Comment: PM2_supporting

NM_139027.6(ADAMTS13):c.1549G>A (p.Gly517Arg)

Gene: ADAMTS13 (ADAM metallopeptidase with thrombospondin type 1 motif 13; plus strand). Cytogenetic location: 9q34.2.
Variant type: single nucleotide variant.
Coding change: c.1549G>A on transcript NM_139027.6 (MANE Select); coding-DNA position 1549, G replaced by A.
Protein change: p.Gly517Arg; replaces glycine 517 with arginine.
Molecular consequence: missense variant.
Genome position (GRCh38, 1-based): chr9:133,437,862, G>A. VCF-style: chr9-133437862-G-A. GRCh37 (hg19) VCF-style: chr9-136302982-G-A.
Other names: p.Gly517Arg; c.1549G>A, p.Gly517Arg (NM_139025.5); c.1456G>A, p.Gly486Arg (NM_139026.6); short protein forms G486R, G517R.
Identifiers: ClinVar variation 4541501 (VCV004541501.2).